The following is an entry in ClinVar:

NM_000548.5(TSC2):c.4198_4207del (p.Asp1400fs)

Gene: TSC2 (TSC complex subunit 2; plus strand). Cytogenetic location: 16p13.3.
Variant type: Deletion.
Coding change: c.4198_4207del on transcript NM_000548.5 (MANE Select); coding-DNA positions 4198 to 4207, 10 bases deleted (GACCCTGGGG; older notation c.4198_4207delGACCCTGGGG).
Protein change: p.Asp1400fs; shifts the reading frame from aspartic acid 1400.
Molecular consequence: frameshift variant. On other transcripts: non-coding transcript variant (5).
Genome position (GRCh38, 1-based): chr16:2,084,420-2,084,429, GACCCTGGGG deleted; deleting any 10 consecutive bases within chr16:2,084,417-2,084,429 gives the same sequence; the c. name uses the placement nearest the transcript's 3' end. VCF-style (leftmost placement, unchanged base first): chr16-2084416-CGGGGACCCTG-C. GRCh37 (hg19) VCF-style: chr16-2134417-CGGGGACCCTG-C.
Other names: c.3997_4006del, p.Asp1333fs (NM_001077183.3); c.4129_4138del, p.Asp1377fs (NM_001114382.3); c.3889_3898del, p.Asp1297fs (NM_001318827.2); c.3853_3862del, p.Asp1285fs (NM_001318829.2); c.3466_3475del, p.Asp1156fs (NM_001318831.2); c.4030_4039del, p.Asp1344fs (NM_001318832.2); c.4000_4009del, p.Asp1334fs (NM_001363528.2); c.4066_4075del, p.Asp1356fs (NM_001370404.1); and 26 more; short protein forms D1133fs, D1180fs, D1329fs, D1333fs, D1334fs, D1364fs, D1376fs, D885fs.
Identifiers: ClinVar variation 2765855 (VCV002765855.3), dbSNP rs2544267283, ClinGen allele CA2697549577.
Genomic context (GRCh38, chr16:2,084,416, plus strand): 5'-CTCGCAGCCCCTGAGCAAGTCCAGCTCCTCTCCCGAGCTGCAGACTCTGCAGGACATCCT[CGGGGACCCTG>C]GGGACAAGGCCGACGTGGGCCGGCTGAGCCCTGAGGTTAAGGCCCGGTCACAGTCAGGGA-3'

ClinVar aggregate classification (germline): Pathogenic (1 of 4 stars; one submission).

Conditions:
Tuberous sclerosis 2 (TSC2). Identifiers: Orphanet 805, MedGen C1860707, MONDO:0013199, OMIM 613254.

Submission:

Labcorp Genetics (formerly Invitae), Labcorp
Classification: Pathogenic for Tuberous sclerosis 2. Last evaluated: 2023-10-05. Review status: criteria provided, single submitter. Criteria: Invitae Variant Classification Sherloc (09022015). Collection method: clinical testing. Allele origin: germline.
Comment: This sequence change creates a premature translational stop signal (p.Asp1400Thrfs*8) in the TSC2 gene. It is expected to result in an absent or disrupted protein product. Loss-of-function variants in TSC2 are known to be pathogenic (PMID: 10205261, 17304050). This variant is not present in population databases (gnomAD no frequency). This variant has not been reported in the literature in individuals affected with TSC2-related conditions. For these reasons, this variant has been classified as Pathogenic.

Literature cited by the submitters: PubMed 10205261; PubMed 17304050.